The following is an entry in ClinVar:

ClinVar aggregate classification (germline): Likely pathogenic (1 of 4 stars; one submission).

Conditions:
PCNT-related disorder. Also called: PCNT-related condition.

gnomAD v4.1: 30 of 1,614,110 alleles (0.0019%); highest among the groups gnomAD compares: Non-Finnish European, 0.0025%; no homozygotes.

Submission:

PreventionGenetics, part of Exact Sciences
Classification: Likely pathogenic for PCNT-related condition. Last evaluated: 2025-10-03. Review status: criteria provided, single submitter. Criteria: ACMG Guidelines, 2015. Collection method: clinical testing. Allele origin: germline.
Comment: The PCNT c.2398C>T variant is predicted to result in premature protein termination (p.Gln800*). To our knowledge, this variant has not been reported in the literature. This variant is reported in 0.0028% of alleles in individuals of Latino descent in gnomAD. Nonsense variants in PCNT are expected to be pathogenic. This variant is interpreted as likely pathogenic.

NM_006031.6(PCNT):c.2398C>T (p.Gln800Ter)

Gene: PCNT (pericentrin; plus strand). Cytogenetic location: 21q22.3.
Variant type: single nucleotide variant.
Coding change: c.2398C>T on transcript NM_006031.6 (MANE Select); coding-DNA position 2398, C replaced by T.
Protein change: p.Gln800Ter; replaces glutamine 800 with a stop codon.
Molecular consequence: nonsense.
Genome position (GRCh38, 1-based): chr21:46,363,723, C>T. VCF-style: chr21-46363723-C-T. GRCh37 (hg19) VCF-style: chr21-47783638-C-T.
Other names: c.2044C>T, p.Gln682Ter (NM_001315529.2); short protein forms Q682*, Q800*.
Identifiers: ClinVar variation 4994280 (VCV004994280.1).